The following is an entry in ClinVar:

NM_000629.3(IFNAR1):c.603A>C (p.Lys201Asn)

Gene: IFNAR1 (interferon alpha and beta receptor subunit 1; plus strand). Cytogenetic location: 21q22.11.
Variant type: single nucleotide variant.
Coding change: c.603A>C on transcript NM_000629.3 (MANE Select); coding-DNA position 603, A replaced by C.
Protein change: p.Lys201Asn; replaces lysine 201 with asparagine.
Molecular consequence: missense variant. On other transcripts: 5 prime UTR variant (1).
Genome position (GRCh38, 1-based): chr21:33,343,606, A>C. VCF-style: chr21-33343606-A-C. GRCh37 (hg19) VCF-style: chr21-34715912-A-C.
Other names: c.603A>C, p.Lys201Asn (NM_001384498.1, NM_001384499.1, NM_001384501.1 and 1 more transcripts); c.-160A>C (NM_001384500.1); c.141A>C, p.Lys47Asn (NM_001384502.1); c.396A>C, p.Lys132Asn (NM_001384504.1); short protein forms K47N, K201N, K132N.
Identifiers: ClinVar variation 1355487 (VCV001355487.5), dbSNP rs149502605, ClinGen allele CA10006532.

ClinVar aggregate classification (germline): Uncertain significance (1 of 4 stars; one submission).

gnomAD v4.1: 6 of 1,596,404 alleles (0.00038%); highest among the groups gnomAD compares: African/African-American, 0.008%; no homozygotes.

Submission:

Labcorp Genetics (formerly Invitae), Labcorp
Classification: Uncertain significance. Last evaluated: 2021-09-01. Review status: criteria provided, single submitter. Criteria: Invitae Variant Classification Sherloc (09022015). Collection method: clinical testing. Allele origin: germline.
Comment: This sequence change replaces lysine with asparagine at codon 201 of the IFNAR1 protein (p.Lys201Asn). The lysine residue is moderately conserved and there is a moderate physicochemical difference between lysine and asparagine. This variant is present in population databases (rs149502605, ExAC 0.03%). This variant has not been reported in the literature in individuals affected with IFNAR1-related conditions. Algorithms developed to predict the effect of missense changes on protein structure and function are either unavailable or do not agree on the potential impact of this missense change (SIFT: "Deleterious"; PolyPhen-2: "Probably Damaging"; Align-GVGD: "Class C0"). In summary, the available evidence is currently insufficient to determine the role of this variant in disease. Therefore, it has been classified as a Variant of Uncertain Significance.